The following is an entry in ClinVar:

ClinVar aggregate classification (germline): Uncertain significance. Review status: criteria provided, multiple submitters, no conflicts (2 of 4 stars). 2 submissions from 2 submitters: Uncertain significance (2). Last evaluated 2024-03-24.

Conditions:
Familial thoracic aortic aneurysm and aortic dissection (TAAD). Also called: Thoracic aortic aneurysms and dissections. Identifiers: Orphanet 91387, MedGen C4707243, MONDO:0019625.
Ehlers-Danlos syndrome, type 4 (EDSVASC). Also called: Ehlers-Danlos Syndrome Type IV; Ehlers-Danlos syndrome vascular type; Ehlers Danlos syndrome, ecchymotic type; Ehlers Danlos syndrome, arterial type; Ehlers Danlos syndrome, Sack-Barabas type. Identifiers: Orphanet 286, MedGen C0268338, MONDO:0017314, OMIM 130050.

Allele frequency attached by ClinVar (database versions not stated): TOPMed below 0.00001; gnomAD 0.00001.
gnomAD v4.1: 1 of 1,550,980 alleles (0.000064%); highest among the groups gnomAD compares: Non-Finnish European, 0.000087%; no homozygotes.

Submissions (2):

All of Us Research Program, National Institutes of Health
Classification: Uncertain significance for Ehlers-Danlos syndrome, type 4. Last evaluated: 2024-03-24. Review status: criteria provided, single submitter. Criteria: ACMG Guidelines, 2015. Collection method: clinical testing. Allele origin: germline. Inheritance: Autosomal dominant inheritance. Observed: 1 variant allele, 1 heterozygote.
Comment: This missense variant replaces glycine with aspartic acid at codon 847 of the COL3A1 protein. Computational prediction tools indicate that this variant has a neutral impact on protein structure and function. To our knowledge, functional studies have not been reported for this variant. This variant has not been reported in individuals affected with COL3A1-related disorders in the literature. This variant has not been identified in the general population by the Genome Aggregation Database (gnomAD). The available evidence is insufficient to determine the role of this variant in disease conclusively. Therefore, this variant is classified as a Variant of Uncertain Significance.

This study involves interpretation of variants in research participants for the purpose of population health screening. Participant phenotype was not available at the time of variant classification. Additional details can be found in publication PMID: 35346344, PMCID: PMC8962531

Color Diagnostics, LLC DBA Color Health
Classification: Uncertain significance for Familial thoracic aortic aneurysm and aortic dissection. Last evaluated: 2024-03-08. Review status: criteria provided, single submitter. Criteria: ACMG Guidelines, 2015. Collection method: clinical testing. Allele origin: germline.
Comment: This missense variant replaces glycine with aspartic acid at codon 847 of the COL3A1 protein. Computational prediction tools indicate that this variant has a neutral impact on protein structure and function. To our knowledge, functional studies have not been reported for this variant. This variant has not been reported in individuals affected with COL3A1-related disorders in the literature. This variant has not been identified in the general population by the Genome Aggregation Database (gnomAD). The available evidence is insufficient to determine the role of this variant in disease conclusively. Therefore, this variant is classified as a Variant of Uncertain Significance.

NM_000090.4(COL3A1):c.2540G>A (p.Gly847Asp)

Gene: COL3A1 (collagen type III alpha 1 chain; plus strand). Cytogenetic location: 2q32.2.
Variant type: single nucleotide variant.
Coding change: c.2540G>A on transcript NM_000090.4 (MANE Select); coding-DNA position 2540, G replaced by A.
Protein change: p.Gly847Asp; replaces glycine 847 with aspartic acid.
Molecular consequence: missense variant.
Genome position (GRCh38, 1-based): chr2:189,003,049, G>A. VCF-style: chr2-189003049-G-A. GRCh37 (hg19) VCF-style: chr2-189867775-G-A.
Other names: short protein forms G847D.
Identifiers: ClinVar variation 2775125 (VCV002775125.3), dbSNP rs1336654706, ClinGen allele CA349842888.